The following is an entry in ClinVar:

ClinVar aggregate classification (germline): Likely pathogenic (1 of 4 stars; one submission).

Conditions:
INTS6-related disorder. Also called: INTS6-related condition.

Submission:

3billion
Classification: Likely pathogenic for INTS6-related disorder. Last evaluated: 2025-12-28. Review status: criteria provided, single submitter. Criteria: ACMG Guidelines, 2015. Collection method: clinical testing. Allele origin: germline. Affected: yes.
Comment: The variant is not observed in the gnomAD v4.1.0 dataset. Predicted Consequence/Location: Frameshift: predicted to result in a loss or disruption of normal protein function through nonsense-mediated decay (NMD) or protein truncation. Multiple pathogenic variants are reported downstream of the variant. Therefore, this variant is classified as Likely pathogenic according to the recommendation of ACMG/AMP guideline.

NM_012141.3(INTS6):c.828_829del (p.Val278fs)

Gene: INTS6 (integrator complex subunit 6; minus strand). Cytogenetic location: 13q14.3.
Variant type: Deletion.
Coding change: c.828_829del on transcript NM_012141.3 (MANE Select); coding-DNA positions 828 to 829, 2 bases deleted (TG; older notation c.828_829delTG).
Protein change: p.Val278fs; shifts the reading frame from valine 278.
Molecular consequence: frameshift variant.
Genome position (GRCh38, 1-based): chr13:51,387,451-51,387,452, CA deleted on the plus strand (TG on the coding strand, the reverse complement: INTS6 is on the minus strand). VCF-style (leftmost placement, unchanged base first): chr13-51387450-CCA-C. GRCh37 (hg19) VCF-style: chr13-51961586-CCA-C.
Other names: c.789_790del, p.Val265fs (NM_001039937.2); c.294_295del, p.Val100fs (NM_001306091.2); short protein forms V100fs, V265fs, V278fs.
Identifiers: ClinVar variation 4856210 (VCV004856210.1).